The following is an entry in ClinVar:

NC_000002.11:g.(?_128396846)_(128432608_?)dup

Genes: GPR17 (G protein-coupled receptor 17; plus strand), LIMS2 (LIM zinc finger domain containing 2; minus strand). Cytogenetic location: 2q14.3.
Variant type: Duplication.
Identifiers: ClinVar variation 1007133 (VCV001007133.3).

ClinVar aggregate classification (germline): Uncertain significance (1 of 4 stars; one submission).

Conditions:
Autosomal recessive limb-girdle muscular dystrophy type 2W (MDRCMTT). Also called: Muscular dystrophy, autosomal recessive, with cardiomyopathy and triangular tongue; Muscular dystrophy, limb-girdle, type 2W. Identifiers: MedGen C4225192, MONDO:0014788, OMIM 616827.

Submission:

Labcorp Genetics (formerly Invitae), Labcorp
Classification: Uncertain significance for Autosomal recessive limb-girdle muscular dystrophy type 2W. Last evaluated: 2020-05-06. Review status: criteria provided, single submitter. Criteria: Invitae Variant Classification Sherloc (09022015). Collection method: clinical testing. Allele origin: germline.
Comment: In summary, the available evidence is currently insufficient to determine the role of this variant in disease. Therefore, it has been classified as a Variant of Uncertain Significance. This variant has not been reported in the literature in individuals with LIMS2-related conditions. This variant results in a copy number gain of the genomic region encompassing the full coding sequence of the LIMS2 gene. The boundaries of this event are unknown as they extend beyond the assayed region for this gene and therefore may encompass additional genes. As the precise location of this event is unknown, it may be in tandem or it may be located elsewhere in the genome.